The following is an entry in ClinVar:

ClinVar aggregate classification (germline): Uncertain significance. Review status: criteria provided, multiple submitters, no conflicts (2 of 4 stars). 2 submissions from 2 submitters: Uncertain significance (2). Last evaluated 2025-11-06.

Allele frequency attached by ClinVar (database versions not stated): ExAC 0.00002; gnomAD 0.00002; TOPMed 0.00002; gnomAD exomes 0.00004.
gnomAD v4.1: 62 of 1,613,570 alleles (0.0038%); highest among the groups gnomAD compares: African/African-American, 0.0053%; no homozygotes.

Submissions (2):

Ambry Genetics
Classification: Uncertain significance. Last evaluated: 2025-11-06. Review status: criteria provided, single submitter. Criteria: Ambry Variant Classification Scheme 2023. Collection method: clinical testing. Allele origin: germline.

Labcorp Genetics (formerly Invitae), Labcorp
Classification: Uncertain significance. Last evaluated: 2023-01-31. Review status: criteria provided, single submitter. Criteria: Invitae Variant Classification Sherloc (09022015). Collection method: clinical testing. Allele origin: germline.
Comment: This sequence change replaces glutamic acid, which is acidic and polar, with lysine, which is basic and polar, at codon 104 of the ZDBF2 protein (p.Glu104Lys). In summary, the available evidence is currently insufficient to determine the role of this variant in disease. Therefore, it has been classified as a Variant of Uncertain Significance. Algorithms developed to predict the effect of missense changes on protein structure and function (SIFT, PolyPhen-2, Align-GVGD) all suggest that this variant is likely to be tolerated. This variant has not been reported in the literature in individuals affected with ZDBF2-related conditions. This variant is present in population databases (rs779996852, gnomAD 0.01%).

NM_020923.3(ZDBF2):c.310G>A (p.Glu104Lys)

Gene: ZDBF2 (zinc finger DBF-type containing 2; plus strand). Cytogenetic location: 2q33.3.
Variant type: single nucleotide variant.
Coding change: c.310G>A on transcript NM_020923.3 (MANE Select); coding-DNA position 310, G replaced by A.
Protein change: p.Glu104Lys; replaces glutamic acid 104 with lysine.
Molecular consequence: missense variant.
Genome position (GRCh38, 1-based): chr2:206,304,838, G>A. VCF-style: chr2-206304838-G-A. GRCh37 (hg19) VCF-style: chr2-207169562-G-A.
Other names: c.310G>A (NM_020923.1); c.304G>A, p.Glu102Lys (NM_001285549.2); c.310G>A, p.Glu104Lys (NM_001369654.1); short protein forms E102K, E104K.
Identifiers: ClinVar variation 2965019 (VCV002965019.4), dbSNP rs779996852, ClinGen allele CA2071660.
Genomic context (GRCh38, chr2:206,304,838, plus strand): 5'-GATGCTTTTTCTGAAGAAGAGGAAGAGGATGAGGATAAGGTTGAGGATGAGGATGCTACC[G>A]AAGAGAGACCATCCGAGGTTTCAGAACCTATTGAAGAGTTACATTCCAGACCTCATAAAT-3'
Protein context (NP_065974.1, residues 94-114): EDKVEDEDAT[Glu104Lys]ERPSEVSEPI